The following is an entry in ClinVar:

ClinVar aggregate classification (germline): Uncertain significance (1 of 4 stars; one submission).

Allele frequency attached by ClinVar (database versions not stated): gnomAD exomes below 0.00001.
gnomAD v4.1: 2 of 1,613,364 alleles (0.00012%); highest among the groups gnomAD compares: Non-Finnish European, 0.00017%; no homozygotes.

Submission:

Labcorp Genetics (formerly Invitae), Labcorp
Classification: Uncertain significance. Last evaluated: 2023-03-17. Review status: criteria provided, single submitter. Criteria: Invitae Variant Classification Sherloc (09022015). Collection method: clinical testing. Allele origin: germline.
Comment: In summary, the available evidence is currently insufficient to determine the role of this variant in disease. Therefore, it has been classified as a Variant of Uncertain Significance. An algorithm developed to predict the effect of missense changes on protein structure and function (PolyPhen-2) suggests that this variant is likely to be disruptive. This variant has not been reported in the literature in individuals affected with HMCN1-related conditions. This variant is not present in population databases (gnomAD no frequency). This sequence change replaces tyrosine, which is neutral and polar, with histidine, which is basic and polar, at codon 3317 of the HMCN1 protein (p.Tyr3317His).

NM_031935.3(HMCN1):c.9949T>C (p.Tyr3317His)

Gene: HMCN1 (hemicentin 1; plus strand). Cytogenetic location: 1q31.1.
Variant type: single nucleotide variant.
Coding change: c.9949T>C on transcript NM_031935.3 (MANE Select); coding-DNA position 9949, T replaced by C.
Protein change: p.Tyr3317His; replaces tyrosine 3317 with histidine.
Molecular consequence: missense variant.
Genome position (GRCh38, 1-based): chr1:186,093,195, T>C. VCF-style: chr1-186093195-T-C. GRCh37 (hg19) VCF-style: chr1-186062327-T-C.
Other names: short protein forms Y3317H.
Identifiers: ClinVar variation 2807109 (VCV002807109.3), dbSNP rs2527923264, ClinGen allele CA343925948.
Genomic context (GRCh38, chr1:186,093,195, plus strand): 5'-GTGAGTGCAAATGGCAGCACATTAAACATTTATGGAGCTCTTACATCTGACACGGGGAAA[T>C]ACACATGTGTTGCTACTAATCCCGCTGGAGAAGAAGACCGAATTTTTAACTTGAATGTCT-3'
Protein context (NP_114141.2, residues 3307-3327): YGALTSDTGK[Tyr3317His]TCVATNPAGE